The following continues an entry in ClinVar:

NM_000069.3(CACNA1S):c.3716G>A (p.Arg1239His)

Gene: CACNA1S. ClinVar aggregate classification (germline): Pathogenic. Pathogenic (16).

Submissions 13 to 20 of 20:

Dasa
Classification: Pathogenic for Hypokalemic periodic paralysis, type 1. Last evaluated: 2022-01-05. Review status: criteria provided, single submitter. Criteria: ACMG Guidelines, 2015. Collection method: clinical testing. Allele origin: germline. Affected: yes. Observed: 2 variant alleles.
Comment: The c.3716G>A;p.(Arg1239His) missense variant has been observed in affected individual(s) and ClinVar contains an entry for this variant (ClinVar ID: 17623; OMIM: 114208.0001; PMID: 34008892; 11555352; 21841462; 25213595; 20301512PS4. Well-established in vitro or in vivo functional studies support a damaging effect on the gene or gene product (PMID: 19225109; 29572832) - PS3_moderate. This variant is not present in population databases (rs28930068, gnomAD; ABraOM no frequency) - PM2. Pathogenic missense variant in this residue have been reported (ClinVar ID: 17624 - c.3715C>G;p.(Arg1239Gly) - ) - PM5. The variant was assumed de novo, but without confirmation of paternity and maternity (PMID: 34008892) - PM6. The variant co-segregated with disease in multiple affected family members (PMID: 7847370; 17418573; 11555352) - PP1_strong. In summary, the currently available evidence indicates that the variant is pathogenic.

Laboratory of Medical Genetics, National & Kapodistrian University of Athens
Classification: Pathogenic for Hypokalemic periodic paralysis, type 1. Last evaluated: 2021-10-01. Review status: criteria provided, single submitter. Criteria: ACMG Guidelines, 2015. Collection method: clinical testing. Allele origin: unknown. Affected: yes.
Comment: PM1, PM2, PM5, PP3, PP5

SIB Swiss Institute of Bioinformatics
Classification: Pathogenic for Hypokalemic periodic paralysis, type 1. Last evaluated: 2018-05-31. Review status: criteria provided, single submitter. Criteria: ACMG Guidelines, 2015. Collection method: curation. Allele origin: unknown.
Comment: This variant is interpreted as a Pathogenic, for Periodic paralysis hypokalemic 1, in Autosomal Dominant manner. The following ACMG Tag(s) were applied: PP3 => Multiple lines of computational evidence support a deleterious effect on the gene or gene product. PP1 => Cosegregation with disease in multiple affected family members in a gene definitively known to cause the disease (PMID:8004673). PS2 => De novo (paternity and maternity confirmed). Only paternity confirmed, but since article has been published in 1994, we can assume no need to confirm maternity (PMID:8004673). PM2 => Absent from controls (or at extremely low frequency if recessive) in Exome Sequencing Project, 1000 Genomes Project, or Exome Aggregation Consortium. PS4-Moderate => Recurrent mutation (PMID:8004673,18162704,17418573,19118277). PS3 => Well-established functional studies show a deleterious effect (PMID:28857175,29572832).

Eurofins Ntd Llc (ga)
Classification: Pathogenic. Last evaluated: 2016-06-17. Review status: criteria provided, single submitter. Criteria: EGL Classification Definitions 2015. Collection method: clinical testing. Allele origin: germline. Observed: 1 variant allele, 1 heterozygote.

Department of Neurology and Geriatrics, Kagoshima University Graduate School of Medical and Dental Sciences
Classification: Pathogenic for Hypokalemic periodic paralysis, type 1. Last evaluated: 2022-04-12. Review status: no assertion criteria provided. Collection method: research. Allele origin: germline. Affected: yes. Not counted in ClinVar's aggregate classification.

OMIM
Classification: Pathogenic for HYPOKALEMIC PERIODIC PARALYSIS, TYPE 1. Last evaluated: 1995-02-01. Review status: no assertion criteria provided. Collection method: literature only. Allele origin: germline. Not counted in ClinVar's aggregate classification.

GeneReviews
No classification provided. Condition: Hypokalemic periodic paralysis, type 1. Review status: no classification provided. Collection method: literature only. Allele origin: germline. Not counted in ClinVar's aggregate classification.

Genomic Medicine Center of Excellence, King Faisal Specialist Hospital and Research Centre
Classification: Uncertain significance for Congenital myopathy 18. Last evaluated: 2024-04-04. Review status: flagged submission. Criteria: ACMG Guidelines, 2015. Collection method: clinical testing. Allele origin: germline. Not counted in ClinVar's aggregate classification.
ClinVar note: Reason: Outlier claim with insufficient supporting evidence

Literature cited by the submitters: PubMed 7847370 (cited by 5 submitters); PubMed 11555352 (cited by 4 submitters); PubMed 17418573 (cited by 4 submitters); PubMed 28857175 (cited by 4 submitters); PubMed 30090141 (cited by Ambry Genetics and Athena Diagnostics); PubMed 34008892 (cited by 5 submitters); PubMed 34804722 (cited by Ambry Genetics and Athena Diagnostics); PubMed 19225109 (cited by 4 submitters); PubMed 29572832 (cited by 3 submitters); PubMed 8004673 (cited by 4 submitters); PubMed 26252573 (cited by 3billion); PubMed 10639629 (cited by Labcorp Genetics (formerly Invitae), Labcorp); PubMed 21841462 (cited by Labcorp Genetics (formerly Invitae), Labcorp and Dasa); PubMed 25213595 (cited by Labcorp Genetics (formerly Invitae), Labcorp and Dasa); PubMed 34608571 (cited by Athena Diagnostics); PubMed 11591859 (cited by Athena Diagnostics); PubMed 31068157 (cited by Athena Diagnostics); PubMed 33184660 (cited by Athena Diagnostics); PubMed 33042247 (cited by Athena Diagnostics); PubMed 35509735 (cited by Athena Diagnostics); PubMed 18162704 (cited by Athena Diagnostics and SIB Swiss Institute of Bioinformatics); PubMed 19118277 (cited by Athena Diagnostics and SIB Swiss Institute of Bioinformatics); PubMed 20301512 (cited by Dasa); PubMed 3037387 (cited by OMIM).